The following is an entry in ClinVar:

ClinVar aggregate classification (germline): Uncertain significance. Review status: criteria provided, multiple submitters, no conflicts (2 of 4 stars). 2 submissions from 2 submitters: Uncertain significance (2). Last evaluated 2025-06-23.

Conditions:
Inborn genetic diseases. Identifiers: MedGen C0950123, MeSH D030342.

Allele frequency attached by ClinVar (database versions not stated): gnomAD exomes 0.00001 and 0.00003; ExAC 0.00002; TOPMed 0.00002.
gnomAD v4.1: 7 of 1,613,792 alleles (0.00043%); highest among the groups gnomAD compares: Admixed American, 0.012%; no homozygotes.

Submissions (2):

Ambry Genetics
Classification: Uncertain significance for Inborn genetic diseases. Last evaluated: 2025-06-23. Review status: criteria provided, single submitter. Criteria: Ambry Variant Classification Scheme 2023. Collection method: clinical testing. Allele origin: germline.

Labcorp Genetics (formerly Invitae), Labcorp
Classification: Uncertain significance. Last evaluated: 2021-09-17. Review status: criteria provided, single submitter. Criteria: Invitae Variant Classification Sherloc (09022015). Collection method: clinical testing. Allele origin: germline.
Comment: This sequence change replaces phenylalanine with tyrosine at codon 239 of the ADSSL1 protein (p.Phe239Tyr). There is a small physicochemical difference between phenylalanine and tyrosine. This variant is present in population databases (rs759674416, ExAC 0.03%). This variant has not been reported in the literature in individuals affected with ADSSL1-related conditions. Algorithms developed to predict the effect of missense changes on protein structure and function are either unavailable or do not agree on the potential impact of this missense change (SIFT: "Not Available"; PolyPhen-2: "Possibly Damaging"; Align-GVGD: "Not Available"). In summary, the available evidence is currently insufficient to determine the role of this variant in disease. Therefore, it has been classified as a Variant of Uncertain Significance.

NM_152328.5(ADSS1):c.587T>A (p.Phe196Tyr)

Gene: ADSS1 (adenylosuccinate synthase 1; plus strand). Cytogenetic location: 14q32.33.
Variant type: single nucleotide variant.
Coding change: c.587T>A on transcript NM_152328.5 (MANE Select); coding-DNA position 587, T replaced by A.
Protein change: p.Phe196Tyr; replaces phenylalanine 196 with tyrosine.
Molecular consequence: missense variant. On other transcripts: 5 prime UTR variant (1).
Genome position (GRCh38, 1-based): chr14:104,740,841, T>A. VCF-style: chr14-104740841-T-A. GRCh37 (hg19) VCF-style: chr14-105207178-T-A.
Other names: c.716T>A (NM_199165.1); c.-29T>A (NM_001320424.1); c.716T>A, p.Phe239Tyr (NM_199165.2); short protein forms F196Y, F239Y.
Identifiers: ClinVar variation 1681945 (VCV001681945.7), dbSNP rs759674416, ClinGen allele CA7373774.